The following is an entry in ClinVar:

ClinVar aggregate classification (germline): Uncertain significance (1 of 4 stars; one submission).

Conditions:
Hereditary insensitivity to pain with anhidrosis (CIPA). Also called: HSAN Type IV; INSENSITIVITY TO PAIN, CONGENITAL, WITH ANHIDROSIS; FAMILIAL DYSAUTONOMIA, TYPE II; hereditary sensory and autonomic neuropathy type 4; NEUROPATHY, CONGENITAL SENSORY, WITH ANHIDROSIS; NTRK1 Congenital Insensitivity to Pain with Anhidrosis. Identifiers: Orphanet 642, MedGen C0020074, MONDO:0009746, OMIM 256800.

Submission:

Labcorp Genetics (formerly Invitae), Labcorp
Classification: Uncertain significance for Hereditary insensitivity to pain with anhidrosis. Last evaluated: 2022-08-23. Review status: criteria provided, single submitter. Criteria: Invitae Variant Classification Sherloc (09022015). Collection method: clinical testing. Allele origin: germline.
Comment: This variant is not present in population databases (gnomAD no frequency). In summary, the available evidence is currently insufficient to determine the role of this variant in disease. Therefore, it has been classified as a Variant of Uncertain Significance. Advanced modeling of protein sequence and biophysical properties (such as structural, functional, and spatial information, amino acid conservation, physicochemical variation, residue mobility, and thermodynamic stability) performed at Invitae indicates that this missense variant is expected to disrupt NTRK1 protein function. ClinVar contains an entry for this variant (Variation ID: 1055922). This variant has not been reported in the literature in individuals affected with NTRK1-related conditions. This sequence change replaces tyrosine, which is neutral and polar, with cysteine, which is neutral and slightly polar, at codon 785 of the NTRK1 protein (p.Tyr785Cys).

NM_002529.4(NTRK1):c.2372A>G (p.Tyr791Cys)

Gene: NTRK1 (neurotrophic receptor tyrosine kinase 1; plus strand). Cytogenetic location: 1q23.1.
Variant type: single nucleotide variant.
Coding change: c.2372A>G on transcript NM_002529.4 (MANE Select); coding-DNA position 2372, A replaced by G.
Protein change: p.Tyr791Cys; replaces tyrosine 791 with cysteine.
Molecular consequence: missense variant.
Genome position (GRCh38, 1-based): chr1:156,881,623, A>G. VCF-style: chr1-156881623-A-G. GRCh37 (hg19) VCF-style: chr1-156851415-A-G.
Other names: c.2264A>G, p.Tyr755Cys (NM_001007792.1); c.2354A>G, p.Tyr785Cys (NM_001012331.2); short protein forms Y755C, Y785C, Y791C.
Identifiers: ClinVar variation 1055922 (VCV001055922.10), dbSNP rs2102931570, ClinGen allele CA342941795.